The following is an entry in ClinVar:

ClinVar aggregate classification (germline): Conflicting classifications of pathogenicity. Review status: criteria provided, conflicting classifications (1 of 4 stars). 2 submissions from 2 submitters: Uncertain significance (1); Likely benign (1). Last evaluated 2025-01-13.

Submissions (2):

GeneDx
Classification: Uncertain significance. Last evaluated: 2025-01-13. Review status: criteria provided, single submitter. Criteria: GeneDx Variant Classification Process June 2021. Collection method: clinical testing. Allele origin: germline. Affected: yes.
Comment: Not observed at significant frequency in large population cohorts (gnomAD); Has not been previously published as pathogenic or benign to our knowledge; In silico analysis is inconclusive as to whether the variant alters gene splicing. In the absence of RNA/functional studies, the actual effect of this sequence change is unknown.

Blueprint Genetics
Classification: Likely benign. Last evaluated: 2024-08-26. Review status: criteria provided, single submitter. Criteria: ACMG Guidelines, 2015. Collection method: clinical testing. Allele origin: germline.

NM_001267550.2(TTN):c.39626-8C>A

Gene: TTN (titin; minus strand). Cytogenetic location: 2q31.2.
Variant type: single nucleotide variant.
Coding change: c.39626-8C>A on transcript NM_001267550.2 (MANE Select); 8 bases into the intron before coding-DNA position 39626, C replaced by A.
Molecular consequence: intron variant.
Genome position (GRCh38, 1-based): chr2:178,650,842, G>T on the plus strand (C>A on the coding strand, the complement: TTN is on the minus strand). VCF-style: chr2-178650842-G-T. GRCh37 (hg19) VCF-style: chr2-179515569-G-T.
Other names: c.13283-8525C>A (NM_003319.4); c.13859-8525C>A (NM_133437.4); c.13658-8525C>A (NM_133432.3); c.32324-8C>A (NM_133378.4); c.35105-8C>A (NM_001256850.1).
Identifiers: ClinVar variation 4056870 (VCV004056870.2).